The following is an entry in ClinVar:

ClinVar aggregate classification (germline): Uncertain significance. Review status: criteria provided, multiple submitters, no conflicts (2 of 4 stars). 2 submissions from 2 submitters: Uncertain significance (2). Last evaluated 2022-12-05.

Conditions:
Hereditary cancer-predisposing syndrome. Also called: Neoplastic Syndromes, Hereditary; Tumor predisposition; Hereditary Cancer Syndrome; Hereditary neoplastic syndrome. Identifiers: Orphanet 140162, MedGen C0027672, MeSH D009386, MONDO:0015356.
DICER1-related tumor predisposition. Also called: DICER1 syndrome; DICER1-related pleuropulmonary blastoma cancer predisposition syndrome. Identifiers: Orphanet 284343, MedGen C3839822, MONDO:0100216.

Submissions (2):

Labcorp Genetics (formerly Invitae), Labcorp
Classification: Uncertain significance for DICER1-related tumor predisposition. Last evaluated: 2022-12-05. Review status: criteria provided, single submitter. Criteria: Invitae Variant Classification Sherloc (09022015). Collection method: clinical testing. Allele origin: germline.
Comment: In summary, the available evidence is currently insufficient to determine the role of this variant in disease. Therefore, it has been classified as a Variant of Uncertain Significance. This sequence change replaces lysine, which is basic and polar, with asparagine, which is neutral and polar, at codon 1887 of the DICER1 protein (p.Lys1887Asn). This variant is not present in population databases (gnomAD no frequency). This variant has not been reported in the literature in individuals affected with DICER1-related conditions. ClinVar contains an entry for this variant (Variation ID: 1748927). Algorithms developed to predict the effect of missense changes on protein structure and function are either unavailable or do not agree on the potential impact of this missense change (SIFT: "Tolerated"; PolyPhen-2: "Probably Damaging"; Align-GVGD: "Class C0").

Ambry Genetics
Classification: Uncertain significance for Hereditary cancer-predisposing syndrome. Last evaluated: 2022-10-08. Review status: criteria provided, single submitter. Criteria: Ambry Variant Classification Scheme 2023. Collection method: clinical testing. Allele origin: germline.
Comment: The p.K1887N variant (also known as c.5661G>C), located in coding exon 26 of the DICER1 gene, results from a G to C substitution at nucleotide position 5661. The lysine at codon 1887 is replaced by asparagine, an amino acid with similar properties. This amino acid position is conserved. In addition, this alteration is predicted to be tolerated by in silico analysis. Since supporting evidence is limited at this time, the clinical significance of this alteration remains unclear.

NM_177438.3(DICER1):c.5661G>C (p.Lys1887Asn)

Gene: DICER1 (dicer 1, ribonuclease III; minus strand). Cytogenetic location: 14q32.13.
Variant type: single nucleotide variant.
Coding change: c.5661G>C on transcript NM_177438.3 (MANE Select); coding-DNA position 5661, G replaced by C.
Protein change: p.Lys1887Asn; replaces lysine 1887 with asparagine.
Molecular consequence: missense variant. On other transcripts: 3 prime UTR variant (1), non-coding transcript variant (6).
Genome position (GRCh38, 1-based): chr14:95,090,606, C>G on the plus strand (G>C on the coding strand, the complement: DICER1 is on the minus strand). VCF-style: chr14-95090606-C-G. GRCh37 (hg19) VCF-style: chr14-95556943-C-G.
Other names: c.*8G>C (NM_001195573.1); c.5661G>C, p.Lys1887Asn (NM_001271282.3, NM_001291628.2, NM_001395677.1 and 8 more transcripts); c.5379G>C, p.Lys1793Asn (NM_001395686.1); c.5256G>C, p.Lys1752Asn (NM_001395687.1, NM_001395688.1, NM_001395689.1 and 1 more transcripts); c.5094G>C, p.Lys1698Asn (NM_001395691.1); c.3978G>C, p.Lys1326Asn (NM_001395697.1); short protein forms K1887N, K1752N, K1326N, K1698N, K1793N.
Identifiers: ClinVar variation 1748927 (VCV001748927.5), dbSNP rs2139766518, ClinGen allele CA390863414.
Genomic context (GRCh38, chr14:95,090,606, plus strand): 5'-TCTTCTTGCTGCTGCAGATTTGGCAATCCTGTAACTTCGACCAACACCTTTAAATTTCCC[C>G]TTTCCTACTACTTCCACAGTGACTCTGACCTTCCCGTCGTAAGTTCTCTCAGCCGGGCTG-3'
Protein context (NP_803187.1, residues 1877-1897): KVRVTVEVVG[Lys1887Asn]GKFKGVGRSY